The following is an entry in ClinVar:

NM_001012339.3(DNAJC21):c.628A>G (p.Ile210Val)

Gene: DNAJC21 (DnaJ heat shock protein family (Hsp40) member C21; plus strand). Cytogenetic location: 5p13.2.
Variant type: single nucleotide variant.
Coding change: c.628A>G on transcript NM_001012339.3 (MANE Select); coding-DNA position 628, A replaced by G.
Protein change: p.Ile210Val; replaces isoleucine 210 with valine.
Molecular consequence: missense variant.
Genome position (GRCh38, 1-based): chr5:34,937,515, A>G. VCF-style: chr5-34937515-A-G. GRCh37 (hg19) VCF-style: chr5-34937620-A-G.
Other names: c.628A>G, p.Ile210Val (NM_001348420.2, NM_194283.4); c.628A>G (NM_194283.3); short protein forms I210V.
Identifiers: ClinVar variation 1469243 (VCV001469243.6), dbSNP rs756458582, ClinGen allele CA3228506.

ClinVar aggregate classification (germline): Uncertain significance. Review status: criteria provided, multiple submitters, no conflicts (2 of 4 stars). 2 submissions from 2 submitters: Uncertain significance (2). Last evaluated 2025-04-11.

Conditions:
Inborn genetic diseases. Identifiers: MedGen C0950123, MeSH D030342.

Allele frequency attached by ClinVar (database versions not stated): ExAC 0.00003; TOPMed 0.00005; gnomAD exomes 0.00002.
gnomAD v4.1: 29 of 1,614,174 alleles (0.0018%); highest among the groups gnomAD compares: Non-Finnish European, 0.002%; no homozygotes.

Submissions (2):

Ambry Genetics
Classification: Uncertain significance for Inborn genetic diseases. Last evaluated: 2025-04-11. Review status: criteria provided, single submitter. Criteria: Ambry Variant Classification Scheme 2023. Collection method: clinical testing. Allele origin: germline.

Labcorp Genetics (formerly Invitae), Labcorp
Classification: Uncertain significance. Last evaluated: 2021-08-31. Review status: criteria provided, single submitter. Criteria: Invitae Variant Classification Sherloc (09022015). Collection method: clinical testing. Allele origin: germline.
Comment: This sequence change replaces isoleucine with valine at codon 210 of the DNAJC21 protein (p.Ile210Val). The isoleucine residue is moderately conserved and there is a small physicochemical difference between isoleucine and valine. This variant is present in population databases (rs756458582, ExAC 0.02%). This variant has not been reported in the literature in individuals affected with DNAJC21-related conditions. Algorithms developed to predict the effect of missense changes on protein structure and function (SIFT, PolyPhen-2, Align-GVGD) all suggest that this variant is likely to be tolerated. In summary, the available evidence is currently insufficient to determine the role of this variant in disease. Therefore, it has been classified as a Variant of Uncertain Significance.